The following is an entry in ClinVar:

ClinVar aggregate classification (germline): Pathogenic. Review status: criteria provided, multiple submitters, no conflicts (2 of 4 stars). 4 submissions from 4 submitters: Pathogenic (4). Last evaluated 2023-10-02.

Conditions:
NF1-related disorder. Also called: NF1-related condition. Identifiers: MedGen CN379171.
Neurofibromatosis, type 1 (NF1). Also called: Neurofibromatosis, type I; VON RECKLINGHAUSEN DISEASE; NEUROFIBROMATOSIS, TYPE I, SOMATIC; Peripheral type neurofibromatosis. Identifiers: Orphanet 636, MedGen C0027831, MONDO:0018975, OMIM 162200. Disease mechanism: loss of function.

Submissions (4):

Institute for Genomic Medicine (IGM) Clinical Laboratory, Nationwide Children's Hospital
Classification: Pathogenic for Neurofibromatosis, type 1. Last evaluated: 2023-10-02. Review status: criteria provided, single submitter. Criteria: ACMG Guidelines, 2015. Collection method: clinical testing. Allele origin: germline.
Comment: This variant is predicted to result in loss of function through nonsense-mediated decay of the encoded transcript or premature truncation of the encoded protein in a gene in which loss of function is a known mechanism of disease (ACMG/AMP: PVS1; PMIDs:10712197, 20043723, 23913538). This variant has been reported at an elevated frequency in affected individuals/in multiple affected individuals in the literature (ACMG/AMP: PS4_Supporting; PMID:31533651). This variant is absent from or present at an exceedingly low frequency in gnomAD, a large-scale control population database (ACMG/AMP: PM2).

Institute of Medical Genetics and Applied Genomics, University Hospital Tübingen
Classification: Pathogenic for Neurofibromatosis, type 1. Last evaluated: 2023-02-02. Review status: criteria provided, single submitter. Criteria: ACMG Guidelines, 2015. Collection method: clinical testing. Allele origin: germline. Inheritance: Autosomal dominant inheritance. Affected: yes.

PreventionGenetics, part of Exact Sciences
Classification: Pathogenic for NF1-related condition. Last evaluated: 2022-11-15. Review status: criteria provided, single submitter. Criteria: ACMG Guidelines, 2015. Collection method: clinical testing. Allele origin: germline.
Comment: The NF1 c.7458-1G>A variant is predicted to disrupt the AG splice acceptor site and interfere with normal splicing. This variant, also referred to as c.7395-1G>A in an alternate transcript (NM_000267.3), has been reported in an individual with neurofibromatosis type 1 (Fahsold et al. 2000. PubMed ID: 10712197). Additionally, different variants affecting this splice site (c.7395-2A>G and c.7395-1G>C) have been reported in individuals with neurofibromatosis type 1 (Brems et al. 2009. PubMed ID: 19738042; Chai et al. 2019. PubMed ID: 31533651). This variant has not been reported in a large population database, indicating this variant is rare. Variants that disrupt the consensus splice acceptor site in NF1 are expected to be pathogenic. This variant is interpreted as pathogenic.

GeneDx
Classification: Pathogenic. Last evaluated: 2020-06-24. Review status: criteria provided, single submitter. Criteria: GeneDx Variant Classification Process June 2021. Collection method: clinical testing. Allele origin: germline. Affected: yes.
Comment: Canonical splice site variant demonstrated to result in abnormal splicing leading to a null allele in a gene for which loss-of-function is a known mechanism of disease (Fahsold 2000); Not observed in large population cohorts (Lek 2016); This variant is associated with the following publications: (PMID: 10712197)

Literature cited by the submitters: PubMed 10712197 (cited by Institute for Genomic Medicine (IGM) Clinical Laboratory, Nationwide Children's Hospital); PubMed 20043723 (cited by Institute for Genomic Medicine (IGM) Clinical Laboratory, Nationwide Children's Hospital); PubMed 23913538 (cited by Institute for Genomic Medicine (IGM) Clinical Laboratory, Nationwide Children's Hospital); PubMed 31533651 (cited by Institute for Genomic Medicine (IGM) Clinical Laboratory, Nationwide Children's Hospital).

NM_001042492.3(NF1):c.7458-1G>A

Gene: NF1 (neurofibromin 1; plus strand). Cytogenetic location: 17q11.2.
Variant type: single nucleotide variant.
Coding change: c.7458-1G>A on transcript NM_001042492.3 (MANE Select); the canonical splice acceptor site of the intron before coding-DNA position 7458, G replaced by A.
Molecular consequence: splice acceptor variant.
Genome position (GRCh38, 1-based): chr17:31,352,256, G>A. VCF-style: chr17-31352256-G-A. GRCh37 (hg19) VCF-style: chr17-29679274-G-A.
Other names: c.7395-1G>A (NM_000267.4).
Identifiers: ClinVar variation 1202404 (VCV001202404.10), dbSNP rs1597862012, ClinGen allele CA399017385.